The following is an entry in ClinVar:

ClinVar aggregate classification (germline): Uncertain significance (1 of 4 stars; one submission).

Allele frequency attached by ClinVar (database versions not stated): gnomAD exomes 0.00001.
gnomAD v4.1: 2 of 1,610,206 alleles (0.00012%); highest among the groups gnomAD compares: Admixed American, 0.0033%; no homozygotes.

Submission:

Labcorp Genetics (formerly Invitae), Labcorp
Classification: Uncertain significance. Last evaluated: 2022-11-28. Review status: criteria provided, single submitter. Criteria: Invitae Variant Classification Sherloc (09022015). Collection method: clinical testing. Allele origin: germline.
Comment: In summary, the available evidence is currently insufficient to determine the role of this variant in disease. Therefore, it has been classified as a Variant of Uncertain Significance. This sequence change replaces methionine, which is neutral and non-polar, with leucine, which is neutral and non-polar, at codon 93 of the WHRN protein (p.Met93Leu). This variant is present in population databases (no rsID available, gnomAD 0.006%). This variant has not been reported in the literature in individuals affected with WHRN-related conditions. ClinVar contains an entry for this variant (Variation ID: 1474414). Algorithms developed to predict the effect of missense changes on protein structure and function (SIFT, PolyPhen-2, Align-GVGD) all suggest that this variant is likely to be tolerated.

NM_015404.4(WHRN):c.277A>T (p.Met93Leu)

Gene: WHRN (whirlin; minus strand). Cytogenetic location: 9q32.
Variant type: single nucleotide variant.
Coding change: c.277A>T on transcript NM_015404.4 (MANE Select); coding-DNA position 277, A replaced by T.
Protein change: p.Met93Leu; replaces methionine 93 with leucine.
Molecular consequence: missense variant.
Genome position (GRCh38, 1-based): chr9:114,504,525, T>A on the plus strand (A>T on the coding strand, the complement: WHRN is on the minus strand). VCF-style: chr9-114504525-T-A. GRCh37 (hg19) VCF-style: chr9-117266805-T-A.
Other names: c.277A>T, p.Met93Leu (NM_001173425.2); short protein forms M93L.
Identifiers: ClinVar variation 1474414 (VCV001474414.7), dbSNP rs1428144829, ClinGen allele CA374613271.